The following is an entry in ClinVar:

ClinVar aggregate classification (germline): Uncertain significance (1 of 4 stars; one submission).

Conditions:
Neu-Laxova syndrome 2. Identifiers: Orphanet 2671, Orphanet 583602, MedGen C4015019, MONDO:0014466, OMIM 616038.

Submission:

Labcorp Genetics (formerly Invitae), Labcorp
Classification: Uncertain significance for Neu-Laxova syndrome 2. Last evaluated: 2022-07-19. Review status: criteria provided, single submitter. Criteria: Invitae Variant Classification Sherloc (09022015). Collection method: clinical testing. Allele origin: germline.
Comment: Algorithms developed to predict the effect of missense changes on protein structure and function are either unavailable or do not agree on the potential impact of this missense change (SIFT: "Deleterious"; PolyPhen-2: "Probably Damaging"; Align-GVGD: "Class C15"). In summary, the available evidence is currently insufficient to determine the role of this variant in disease. Therefore, it has been classified as a Variant of Uncertain Significance. ClinVar contains an entry for this variant (Variation ID: 1421121). This variant has not been reported in the literature in individuals affected with PSAT1-related conditions. This variant is not present in population databases (gnomAD no frequency). This sequence change replaces valine, which is neutral and non-polar, with methionine, which is neutral and non-polar, at codon 338 of the PSAT1 protein (p.Val338Met).

NM_058179.4(PSAT1):c.1012G>A (p.Val338Met)

Gene: PSAT1 (phosphoserine aminotransferase 1; plus strand). Cytogenetic location: 9q21.2.
Variant type: single nucleotide variant.
Coding change: c.1012G>A on transcript NM_058179.4 (MANE Select); coding-DNA position 1012, G replaced by A.
Protein change: p.Val338Met; replaces valine 338 with methionine.
Molecular consequence: missense variant.
Genome position (GRCh38, 1-based): chr9:78,328,985, G>A. VCF-style: chr9-78328985-G-A. GRCh37 (hg19) VCF-style: chr9-80943901-G-A.
Other names: c.874G>A, p.Val292Met (NM_021154.5); short protein forms V292M, V338M.
Identifiers: ClinVar variation 1421121 (VCV001421121.6), dbSNP rs2118717786, ClinGen allele CA373861864.